The following is an entry in ClinVar:

NM_000387.6(SLC25A20):c.647G>T (p.Gly216Val)

Gene: SLC25A20 (solute carrier family 25 member 20; minus strand). Cytogenetic location: 3p21.31.
Variant type: single nucleotide variant.
Coding change: c.647G>T on transcript NM_000387.6 (MANE Select); coding-DNA position 647, G replaced by T.
Protein change: p.Gly216Val; replaces glycine 216 with valine.
Molecular consequence: missense variant.
Genome position (GRCh38, 1-based): chr3:48,859,163, C>A on the plus strand (G>T on the coding strand, the complement: SLC25A20 is on the minus strand). VCF-style: chr3-48859163-C-A. GRCh37 (hg19) VCF-style: chr3-48896596-C-A.
Other names: short protein forms G216V.
Identifiers: ClinVar variation 2023224 (VCV002023224.4), dbSNP rs2471004619, ClinGen allele CA352626468.

ClinVar aggregate classification (germline): Uncertain significance (1 of 4 stars; one submission).

Conditions:
Carnitine acylcarnitine translocase deficiency (CACTD). Identifiers: Orphanet 159, MedGen C0342791, MONDO:0008918, OMIM 212138.

Submission:

Labcorp Genetics (formerly Invitae), Labcorp
Classification: Uncertain significance for Carnitine acylcarnitine translocase deficiency. Last evaluated: 2022-09-06. Review status: criteria provided, single submitter. Criteria: Invitae Variant Classification Sherloc (09022015). Collection method: clinical testing. Allele origin: germline.
Comment: This sequence change replaces glycine, which is neutral and non-polar, with valine, which is neutral and non-polar, at codon 216 of the SLC25A20 protein (p.Gly216Val). This variant is not present in population databases (gnomAD no frequency). This missense change has been observed in individual(s) with clinical features of carnitine acylcarnitine translocase deficiency (Invitae). In at least one individual the data is consistent with being in trans (on the opposite chromosome) from a pathogenic variant. Algorithms developed to predict the effect of missense changes on protein structure and function (SIFT, PolyPhen-2, Align-GVGD) all suggest that this variant is likely to be disruptive. This variant disrupts the p.Gly216 amino acid residue in SLC25A20. Other variant(s) that disrupt this residue have been observed in individuals with SLC25A20-related conditions (PMID: 33634872; Invitae), which suggests that this may be a clinically significant amino acid residue. In summary, the available evidence is currently insufficient to determine the role of this variant in disease. Therefore, it has been classified as a Variant of Uncertain Significance.

Literature cited by the submitters: PubMed 33634872.